The following is an entry in ClinVar:

ClinVar aggregate classification (germline): Pathogenic (1 of 4 stars; one submission).

Submission:

Labcorp Genetics (formerly Invitae), Labcorp
Classification: Pathogenic. Last evaluated: 2025-08-29. Review status: criteria provided, single submitter. Criteria: Invitae Variant Classification Sherloc (09022015). Collection method: clinical testing. Allele origin: germline.
Comment: This sequence change creates a premature translational stop signal (p.Ala40Glufs*47) in the CDH3 gene. It is expected to result in an absent or disrupted protein product. Loss-of-function variants in CDH3 are known to be pathogenic (PMID: 15805154, 27386845, 29620724). This variant is not present in population databases (gnomAD no frequency). This variant has not been reported in the literature in individuals affected with CDH3-related conditions. For these reasons, this variant has been classified as Pathogenic.

Literature cited by the submitters: PubMed 15805154; PubMed 27386845; PubMed 29620724.

NM_001793.6(CDH3):c.119_122del (p.Ala40fs)

Genes: CDH3 (cadherin 3; plus strand), CDH3-AS1 (CDH3 antisense RNA 1; minus strand). Cytogenetic location: 16q22.1.
Variant type: Deletion.
Coding change: c.119_122del on transcript NM_001793.6 (MANE Select); coding-DNA positions 119 to 122, 4 bases deleted (CGGG; older notation c.119_122delCGGG).
Protein change: p.Ala40fs; shifts the reading frame from alanine 40.
Molecular consequence: frameshift variant. On other transcripts: non-coding transcript variant (1), intron variant (1).
Genome position (GRCh38, 1-based): chr16:68,645,709-68,645,712, CGGG deleted; deleting any 4 consecutive bases within chr16:68,645,707-68,645,712 gives the same sequence; the c. name uses the placement nearest the transcript's 3' end. VCF-style (leftmost placement, unchanged base first): chr16-68645706-AGGCG-A. GRCh37 (hg19) VCF-style: chr16-68679609-AGGCG-A.
Other names: c.119_122del, p.Ala40fs (NM_001317195.3); c.-6+285_-6+288del (NM_001317196.2); short protein forms A40fs.
Identifiers: ClinVar variation 4715911 (VCV004715911.1).
Genomic context (GRCh38, chr16:68,645,706, plus strand): 5'-TGCAGTGCGCGGCCTCCGAGCCGTGCCGGGCGGTCTTCAGGGAGGCTGAAGTGACCTTGG[AGGCG>A]GGAGGCGCGGAGCAGGAGCCCGGCCAGGCGCTGGGGAAAGGTAAGATCCTCAGGGTGGAA-3'